The following is an entry in ClinVar:

ClinVar aggregate classification (germline): Likely benign. Review status: criteria provided, single submitter (1 of 4 stars). 2 submissions from 2 submitters: Likely benign (1). 1 of the submissions does not count toward it. Last evaluated 2025-12-28.

Conditions:
MRAP2-related disorder. Also called: MRAP2-related condition.

Allele frequency attached by ClinVar (database versions not stated): gnomAD 0.00008 and 0.00010; TOPMed 0.00025; 1000 Genomes Project 30x 0.00031; 1000 Genomes Project 0.00040; ExAC 0.00044; gnomAD exomes 0.00055.
gnomAD v4.1: 165 of 1,614,098 alleles (0.01%); highest among the groups gnomAD compares: Admixed American, 0.26%; no homozygotes.

Submissions (2):

Labcorp Genetics (formerly Invitae), Labcorp
Classification: Likely benign. Last evaluated: 2025-12-28. Review status: criteria provided, single submitter. Criteria: Invitae Variant Classification Sherloc (09022015). Collection method: clinical testing. Allele origin: germline.

PreventionGenetics, part of Exact Sciences
Classification: Likely benign for MRAP2-related condition. Last evaluated: 2021-06-08. Review status: no assertion criteria provided. Collection method: clinical testing. Allele origin: germline. Not counted in ClinVar's aggregate classification.
Comment: This variant is classified as likely benign based on ACMG/AMP sequence variant interpretation guidelines (Richards et al. 2015 PMID: 25741868, with internal and published modifications).

NM_138409.4(MRAP2):c.194C>T (p.Thr65Ile)

Gene: MRAP2 (melanocortin 2 receptor accessory protein 2; plus strand). Cytogenetic location: 6q14.2.
Variant type: single nucleotide variant.
Coding change: c.194C>T on transcript NM_138409.4 (MANE Select); coding-DNA position 194, C replaced by T.
Protein change: p.Thr65Ile; replaces threonine 65 with isoleucine.
Molecular consequence: missense variant. On other transcripts: 5 prime UTR variant (1), intron variant (1).
Genome position (GRCh38, 1-based): chr6:84,062,959, C>T. VCF-style: chr6-84062959-C-T. GRCh37 (hg19) VCF-style: chr6-84772678-C-T.
Other names: c.194C>T, p.Thr65Ile (NM_001346542.2, NM_001346544.2); c.-66C>T (NM_001346543.2); c.-32+7514C>T (NM_001346541.2); c.194C>T (NM_138409.3); short protein forms T65I.
Identifiers: ClinVar variation 748658 (VCV000748658.11), dbSNP rs147462002, ClinGen allele CA3909596.